The following is an entry in ClinVar:

NM_182914.3(SYNE2):c.18674G>A (p.Arg6225His)

Gene: SYNE2 (spectrin repeat containing nuclear envelope protein 2; plus strand). Cytogenetic location: 14q23.2.
Variant type: single nucleotide variant.
Coding change: c.18674G>A on transcript NM_182914.3 (MANE Select); coding-DNA position 18674, G replaced by A.
Protein change: p.Arg6225His; replaces arginine 6225 with histidine.
Molecular consequence: missense variant.
Genome position (GRCh38, 1-based): chr14:64,210,075, G>A. VCF-style: chr14-64210075-G-A. GRCh37 (hg19) VCF-style: chr14-64676793-G-A.
Other names: c.18674G>A, p.Arg6225His (NM_015180.6); c.18674G>A (NM_182914.2); short protein forms R6225H.
Identifiers: ClinVar variation 1398098 (VCV001398098.7), dbSNP rs749491228, ClinGen allele CA7224169.

ClinVar aggregate classification (germline): Uncertain significance. Review status: criteria provided, multiple submitters, no conflicts (2 of 4 stars). 2 submissions from 2 submitters: Uncertain significance (2). Last evaluated 2025-01-23.

Conditions:
Emery-Dreifuss muscular dystrophy 5, autosomal dominant (EDMD5). Also called: EMERY-DREIFUSS MUSCULAR DYSTROPHY 5. Identifiers: Orphanet 261, MedGen C2751805, MONDO:0013072, OMIM 612999.

Allele frequency attached by ClinVar (database versions not stated): ExAC 0.00002.
gnomAD v4.1: 7 of 1,614,054 alleles (0.00043%); highest among the groups gnomAD compares: South Asian, 0.0011%; no homozygotes.

Submissions (2):

Labcorp Genetics (formerly Invitae), Labcorp
Classification: Uncertain significance for Emery-Dreifuss muscular dystrophy 5, autosomal dominant. Last evaluated: 2025-01-23. Review status: criteria provided, single submitter. Criteria: Invitae Variant Classification Sherloc (09022015). Collection method: clinical testing. Allele origin: germline.
Comment: This sequence change replaces arginine, which is basic and polar, with histidine, which is basic and polar, at codon 6225 of the SYNE2 protein (p.Arg6225His). This variant is present in population databases (rs749491228, gnomAD 0.01%). This variant has not been reported in the literature in individuals affected with SYNE2-related conditions. ClinVar contains an entry for this variant (Variation ID: 1398098). An algorithm developed to predict the effect of missense changes on protein structure and function outputs the following: PolyPhen-2: "Benign". The histidine amino acid residue is found in multiple mammalian species, which suggests that this missense change does not adversely affect protein function. In summary, the available evidence is currently insufficient to determine the role of this variant in disease. Therefore, it has been classified as a Variant of Uncertain Significance.

Ambry Genetics
Classification: Uncertain significance. Last evaluated: 2022-03-28. Review status: criteria provided, single submitter. Criteria: Ambry Variant Classification Scheme 2023. Collection method: clinical testing. Allele origin: germline.